The following is an entry in ClinVar:

ClinVar aggregate classification (germline): Uncertain significance. Review status: criteria provided, multiple submitters, no conflicts (2 of 4 stars). 2 submissions from 2 submitters: Uncertain significance (2). Last evaluated 2025-01-02.

Conditions:
Inborn genetic diseases. Identifiers: MedGen C0950123, MeSH D030342.
Fanconi anemia (FA). Also called: Fanconi's anemia. Identifiers: Orphanet 84, MedGen C0015625, MeSH D005199, MONDO:0019391.

Allele frequency attached by ClinVar (database versions not stated): gnomAD exomes below 0.00001; gnomAD 0.00001; TOPMed 0.00002.
gnomAD v4.1: 2 of 1,593,572 alleles (0.00013%); highest among the groups gnomAD compares: African/African-American, 0.0027%; no homozygotes.

Submissions (2):

Ambry Genetics
Classification: Uncertain significance for Inborn genetic diseases. Last evaluated: 2025-01-02. Review status: criteria provided, single submitter. Criteria: Ambry Variant Classification Scheme 2023. Collection method: clinical testing. Allele origin: germline.
Comment: The p.T763I variant (also known as c.2288C>T), located in coding exon 25 of the FANCA gene, results from a C to T substitution at nucleotide position 2288. The threonine at codon 763 is replaced by isoleucine, an amino acid with similar properties. This amino acid position is conserved. In addition, this alteration is predicted to be tolerated by in silico analysis. Based on the available evidence, the clinical significance of this variant remains unclear.

Labcorp Genetics (formerly Invitae), Labcorp
Classification: Uncertain significance for Fanconi anemia. Last evaluated: 2023-08-16. Review status: criteria provided, single submitter. Criteria: Invitae Variant Classification Sherloc (09022015). Collection method: clinical testing. Allele origin: germline.
Comment: This sequence change replaces threonine, which is neutral and polar, with isoleucine, which is neutral and non-polar, at codon 763 of the FANCA protein (p.Thr763Ile). This variant is not present in population databases (gnomAD no frequency). This variant has not been reported in the literature in individuals affected with FANCA-related conditions. ClinVar contains an entry for this variant (Variation ID: 2017187). Advanced modeling of protein sequence and biophysical properties (such as structural, functional, and spatial information, amino acid conservation, physicochemical variation, residue mobility, and thermodynamic stability) performed at Invitae indicates that this missense variant is not expected to disrupt FANCA protein function. In summary, the available evidence is currently insufficient to determine the role of this variant in disease. Therefore, it has been classified as a Variant of Uncertain Significance.

NM_000135.4(FANCA):c.2288C>T (p.Thr763Ile)

Gene: FANCA (FA complementation group A; minus strand). Cytogenetic location: 16q24.3.
Variant type: single nucleotide variant.
Coding change: c.2288C>T on transcript NM_000135.4 (MANE Select); coding-DNA position 2288, C replaced by T.
Protein change: p.Thr763Ile; replaces threonine 763 with isoleucine.
Molecular consequence: missense variant.
Genome position (GRCh38, 1-based): chr16:89,770,194, G>A on the plus strand (C>T on the coding strand, the complement: FANCA is on the minus strand). VCF-style: chr16-89770194-G-A. GRCh37 (hg19) VCF-style: chr16-89836602-G-A.
Other names: c.2288C>T, p.Thr763Ile (NM_001286167.3); short protein forms T763I.
Identifiers: ClinVar variation 2017187 (VCV002017187.5), dbSNP rs1284542983, ClinGen allele CA397445104.
Genomic context (GRCh38, chr16:89,770,194, plus strand): 5'-CCAAGGGTGGCCCCCATGAAGGAGAGCCTCACCTGGTGACGGAGCAGCTGGCAGAGCCGG[G>A]TGAGCACTGCAGGGAGCACACGTCCACACATGGTCCTCACGAAGAGGGCAGCCCAGGGAC-3'
Protein context (NP_000126.2, residues 753-773): MCGRVLPAVL[Thr763Ile]RLCQLLRHQG